The following is an entry in ClinVar:

NM_015001.3(SPEN):c.3517A>T (p.Met1173Leu)

Gene: SPEN (spen family transcriptional repressor; plus strand). Cytogenetic location: 1p36.13.
Variant type: single nucleotide variant.
Coding change: c.3517A>T on transcript NM_015001.3 (MANE Select); coding-DNA position 3517, A replaced by T.
Protein change: p.Met1173Leu; replaces methionine 1173 with leucine.
Molecular consequence: missense variant.
Genome position (GRCh38, 1-based): chr1:15,929,757, A>T. VCF-style: chr1-15929757-A-T. GRCh37 (hg19) VCF-style: chr1-16256252-A-T.
Other names: short protein forms M1173L.
Identifiers: ClinVar variation 4531110 (VCV004531110.1).
Genomic context (GRCh38, chr1:15,929,757, plus strand): 5'-GTAAATACTGAAGAAAAAATTGGCATTGACATCGATCACACGCAGAGTTACCGAAAACAA[A>T]TGGAACAGAGTCGTAGGAAACAGCAGATGGAAATGGAAATAGCCAAGTCTGAGAAGTTTG-3'
Protein context (NP_055816.2, residues 1163-1183): IDHTQSYRKQ[Met1173Leu]EQSRRKQQME

ClinVar aggregate classification (germline): Uncertain significance (1 of 4 stars; one submission).

Submission:

GeneDx
Classification: Uncertain significance. Last evaluated: 2025-05-22. Review status: criteria provided, single submitter. Criteria: GeneDx Variant Classification Process June 2021. Collection method: clinical testing. Allele origin: germline. Affected: yes.
Comment: Not observed at significant frequency in large population cohorts (gnomAD); In silico analysis suggests that this missense variant does not alter protein structure/function; Has not been previously published as pathogenic or benign to our knowledge